The following is an entry in ClinVar:

ClinVar aggregate classification (germline): Uncertain significance (1 of 4 stars; one submission).

gnomAD v4.1: 3 of 1,593,338 alleles (0.00019%); highest among the groups gnomAD compares: African/African-American, 0.0013%; no homozygotes.

Submission:

Ambry Genetics
Classification: Uncertain significance. Last evaluated: 2025-08-25. Review status: criteria provided, single submitter. Criteria: Ambry Variant Classification Scheme 2023. Collection method: clinical testing. Allele origin: germline.
Comment: The p.S1848Y variant (also known as c.5543C>A), located in coding exon 22 of the WNK2 gene, results from a C to A substitution at nucleotide position 5543. The serine at codon 1848 is replaced by tyrosine, an amino acid with dissimilar properties. This amino acid position is conserved. In addition, the in silico prediction for this alteration is inconclusive. Based on the available evidence, the clinical significance of this variant remains unclear.

NM_006648.4(WNK2):c.5543C>A (p.Ser1848Tyr)

Gene: WNK2 (WNK lysine deficient protein kinase 2; plus strand). Cytogenetic location: 9q22.31.
Variant type: single nucleotide variant.
Coding change: c.5543C>A on transcript NM_006648.4 (MANE Select); coding-DNA position 5543, C replaced by A.
Protein change: p.Ser1848Tyr; replaces serine 1848 with tyrosine.
Molecular consequence: missense variant.
Genome position (GRCh38, 1-based): chr9:93,293,008, C>A. VCF-style: chr9-93293008-C-A. GRCh37 (hg19) VCF-style: chr9-96055290-C-A.
Other names: c.5654C>A, p.Ser1885Tyr (NM_001282394.3); short protein forms S1885Y, S1848Y.
Identifiers: ClinVar variation 4201823 (VCV004201823.1).